The following is an entry in ClinVar:

NM_000051.4(ATM):c.8585-16T>C

Genes: ATM (ATM serine/threonine kinase; plus strand), C11orf65 (chromosome 11 open reading frame 65; minus strand). Cytogenetic location: 11q22.3.
Variant type: single nucleotide variant.
Coding change: c.8585-16T>C on transcript NM_000051.4 (MANE Select); 16 bases into the intron before coding-DNA position 8585, T replaced by C.
Molecular consequence: intron variant.
Genome position (GRCh38, 1-based): chr11:108,347,263, T>C. VCF-style: chr11-108347263-T-C. GRCh37 (hg19) VCF-style: chr11-108217990-T-C.
Other names: c.8585-16T>C (NM_001351834.2); c.641-38192A>G (NM_001330368.2); c.695-11971A>G (NM_001351110.2).
Identifiers: ClinVar variation 3254235 (VCV003254235.1), dbSNP rs2137076895.

ClinVar aggregate classification (germline): Likely benign (1 of 4 stars; one submission).

Conditions:
Familial cancer of breast. Also called: hereditary breast carcinoma; BREAST CANCER, FAMILIAL; Hereditary breast cancer. Identifiers: Orphanet 227535, MedGen C0346153, MONDO:0016419, OMIM 114480. Disease mechanism: loss of function.

Submission:

Myriad Genetics, Inc.
Classification: Likely benign for Familial cancer of breast. Last evaluated: 2024-06-20. Review status: criteria provided, single submitter. Criteria: Myriad Autosomal Dominant, Autosomal Recessive and X-Linked Classification Criteria (2023). Collection method: clinical testing. Allele origin: unknown.
Comment: This variant is considered likely benign. This variant is intronic and is not expected to impact mRNA splicing.